The following is an entry in ClinVar:

ClinVar aggregate classification (germline): Benign/Likely benign. Review status: criteria provided, multiple submitters, no conflicts (2 of 4 stars). 6 submissions from 6 submitters: Benign (1); Likely benign (4). 1 of the submissions does not count toward it. Last evaluated 2026-01-02.

Conditions:
SLC39A13-related disorder. Also called: SLC39A13-related condition.
Ehlers-Danlos syndrome, spondylodysplastic type, 3. Also called: Ehlers-Danlos syndrome, spondylocheirodysplastic type. Identifiers: Orphanet 157965, MedGen C2676510, MONDO:0012873, OMIM 612350.

Allele frequency attached by ClinVar (database versions not stated): gnomAD exomes 0.00016 and 0.00042; ExAC 0.00057; TOPMed 0.00178; gnomAD 0.00180 and 0.00193; ESP Exome Variant Server 0.00208; 1000 Genomes Project 30x 0.00234; 1000 Genomes Project 0.00240.
gnomAD v4.1: 506 of 1,614,102 alleles (0.031%); highest among the groups gnomAD compares: African/African-American, 0.64%; 5 homozygotes.

Submissions (6):

Labcorp Genetics (formerly Invitae), Labcorp
Classification: Likely benign for Ehlers-Danlos syndrome, spondylodysplastic type, 3. Last evaluated: 2026-01-02. Review status: criteria provided, single submitter. Criteria: Invitae Variant Classification Sherloc (09022015). Collection method: clinical testing. Allele origin: germline.

Women's Health and Genetics/Laboratory Corporation of America, LabCorp
Classification: Likely benign. Last evaluated: 2025-07-01. Review status: criteria provided, single submitter. Criteria: LabCorp Variant Classification Summary - May 2015. Collection method: clinical testing. Allele origin: germline.
Comment: Variant summary: SLC39A13 c.539C>G (p.Ala180Gly) results in a non-conservative amino acid change in the encoded protein sequence. Algorithms developed to predict the effect of missense changes on protein structure and function are either unavailable or do not agree on the potential impact of this missense change. Consensus agreement among computation tools predict no significant impact on normal splicing. However, these predictions have yet to be confirmed by functional studies. The variant allele was found at a frequency of 0.00042 in 251040 control chromosomes, predominantly at a frequency of 0.0064 within the African or African-American subpopulation in the gnomAD database, including one homozygote. The observed variant frequency within African or African-American control individuals in the gnomAD database is approximately 6 fold of the estimated maximal expected allele frequency for a pathogenic variant in SLC39A13 causing Ehlers-Danlos syndrome, spondylocheirodysplastic type phenotype (0.0011). To our knowledge, no occurrence of c.539C>G in individuals affected with Ehlers-Danlos syndrome, spondylocheirodysplastic type and no experimental evidence demonstrating its impact on protein function have been reported. ClinVar contains an entry for this variant (Variation ID: 197874). Based on the evidence outlined above, the variant was classified as likely benign.

Mayo Clinic Laboratories, Mayo Clinic
Classification: Likely benign. Last evaluated: 2024-09-09. Review status: criteria provided, single submitter. Criteria: ACMG Guidelines, 2015. Collection method: clinical testing. Allele origin: germline. Observed: 4 variant alleles.
Comment: BS1, BP4

GeneDx
Classification: Likely benign. Last evaluated: 2021-07-30. Review status: criteria provided, single submitter. Criteria: GeneDx Variant Classification Process June 2021. Collection method: clinical testing. Allele origin: germline. Affected: yes.
Comment: This variant is associated with the following publications: (PMID: 27211562, 26091878)

Eurofins Ntd Llc (ga)
Classification: Benign. Last evaluated: 2015-02-10. Review status: criteria provided, single submitter. Criteria: EGL Classification Definitions 2015. Collection method: clinical testing. Allele origin: germline. Observed: 1 variant allele, 1 heterozygote.

PreventionGenetics, part of Exact Sciences
Classification: Likely benign for SLC39A13-related condition. Last evaluated: 2019-05-01. Review status: no assertion criteria provided. Collection method: clinical testing. Allele origin: germline. Not counted in ClinVar's aggregate classification.
Comment: This variant is classified as likely benign based on ACMG/AMP sequence variant interpretation guidelines (Richards et al. 2015 PMID: 25741868, with internal and published modifications).

Literature cited by the submitters: PubMed 26091878 (cited by Mayo Clinic Laboratories, Mayo Clinic); PubMed 27211562 (cited by Mayo Clinic Laboratories, Mayo Clinic).

NM_001128225.3(SLC39A13):c.539C>G (p.Ala180Gly)

Gene: SLC39A13 (solute carrier family 39 member 13; plus strand). Cytogenetic location: 11p11.2.
Variant type: single nucleotide variant.
Coding change: c.539C>G on transcript NM_001128225.3 (MANE Select); coding-DNA position 539, C replaced by G.
Protein change: p.Ala180Gly; replaces alanine 180 with glycine.
Molecular consequence: missense variant. On other transcripts: non-coding transcript variant (1).
Genome position (GRCh38, 1-based): chr11:47,413,401, C>G. VCF-style: chr11-47413401-C-G. GRCh37 (hg19) VCF-style: chr11-47434952-C-G.
Other names: p.Ala180Gly; c.539C>G, p.Ala180Gly (NM_001330245.2, NM_152264.5); short protein forms A180G.
Identifiers: ClinVar variation 197874 (VCV000197874.22), dbSNP rs147227015, ClinGen allele CA203134.